The following is an entry in ClinVar:

ClinVar aggregate classification (germline): Likely pathogenic (1 of 4 stars; one submission).

gnomAD v4.1: 2 of 1,611,888 alleles (0.00012%); highest among the groups gnomAD compares: South Asian, 0.0022%; no homozygotes.

Submission:

GeneDx
Classification: Likely pathogenic. Last evaluated: 2022-02-13. Review status: criteria provided, single submitter. Criteria: GeneDx Variant Classification Process June 2021. Collection method: clinical testing. Allele origin: germline. Affected: yes.
Comment: Canonical splice site variant expected to result in aberrant splicing, although in the absence of functional evidence the actual effect of this sequence change is unknown.; Not observed at significant frequency in large population cohorts (gnomAD); Has not been previously published as pathogenic or benign to our knowledge

NM_000283.4(PDE6B):c.1402-1G>C

Gene: PDE6B (phosphodiesterase 6B; plus strand). Cytogenetic location: 4p16.3.
Variant type: single nucleotide variant.
Coding change: c.1402-1G>C on transcript NM_000283.4 (MANE Select); the canonical splice acceptor site of the intron before coding-DNA position 1402, G replaced by C.
Molecular consequence: splice acceptor variant.
Genome position (GRCh38, 1-based): chr4:658,951, G>C. VCF-style: chr4-658951-G-C. GRCh37 (hg19) VCF-style: chr4-652740-G-C.
Other names: c.1402-1G>C (NM_001145291.2); c.565-1G>C (NM_001379246.1, NM_001379247.1, NM_001145292.2 and 1 more transcripts); c.247-1G>C (NM_001350155.3).
Identifiers: ClinVar variation 2430667 (VCV002430667.1), dbSNP rs769859376, ClinGen allele CA2794509.